The following is an entry in ClinVar:

NM_004260.4(RECQL4):c.2730_2732del (p.Gln911del)

Gene: RECQL4 (RecQ like helicase 4; minus strand). Cytogenetic location: 8q24.3.
Variant type: Deletion.
Coding change: c.2730_2732del on transcript NM_004260.4 (MANE Select); coding-DNA positions 2730 to 2732, 3 bases deleted (ACA; older notation c.2730_2732delACA).
Protein change: p.Gln911del; deletes glutamine 911.
Molecular consequence: inframe deletion. On other transcripts: inframe indel (26).
Genome position (GRCh38, 1-based): chr8:144,512,870-144,512,872, TGT deleted on the plus strand (ACA on the coding strand, the reverse complement: RECQL4 is on the minus strand). VCF-style (leftmost placement, unchanged base first): chr8-144512869-CTGT-C. GRCh37 (hg19) VCF-style: chr8-145738252-CTGT-C.
Other names: c.2436_2438delACA, p.Gln813del (NM_001413017.1); c.2532_2534delACA, p.Gln845del (NM_001413018.1); c.2730_2732delACA, p.Gln911del (NM_001413019.1, NM_001413036.1); c.2634_2636delACA, p.Gln879del (NM_001413020.1); c.1659_1661delACA, p.Gln554del (NM_001413021.1, NM_001413022.1, NM_001413034.1 and 5 more transcripts); c.1527_1529delACA, p.Gln510del (NM_001413037.1); c.1461_1463delACA, p.Gln488del (NM_001413038.1, NM_001413031.1); c.2700_2702delACA, p.Gln901del (NM_001413039.1); and 6 more; short protein forms Q422del, Q488del, Q544del, Q813del, Q845del, Q901del, Q879del, Q510del.
Identifiers: ClinVar variation 2067580 (VCV002067580.4), dbSNP rs778806409, ClinGen allele CA4948132.

ClinVar aggregate classification (germline): Uncertain significance (1 of 4 stars; one submission).

Conditions:
Baller-Gerold syndrome (BGS). Also called: CRANIOSYNOSTOSIS WITH RADIAL DEFECTS. Identifiers: Orphanet 1225, MedGen C0265308, MONDO:0009039, OMIM 218600.

Allele frequency attached by ClinVar (database versions not stated): gnomAD exomes below 0.00001; gnomAD 0.00001; ExAC 0.00002.

Submission:

Labcorp Genetics (formerly Invitae), Labcorp
Classification: Uncertain significance for Baller-Gerold syndrome. Last evaluated: 2021-12-31. Review status: criteria provided, single submitter. Criteria: Invitae Variant Classification Sherloc (09022015). Collection method: clinical testing. Allele origin: germline.
Comment: In summary, the available evidence is currently insufficient to determine the role of this variant in disease. Therefore, it has been classified as a Variant of Uncertain Significance. Experimental studies and prediction algorithms are not available or were not evaluated, and the functional significance of this variant is currently unknown. This variant has not been reported in the literature in individuals affected with RECQL4-related conditions. This variant is present in population databases (rs778806409, gnomAD 0.03%). This variant, c.2730_2732del, results in the deletion of 1 amino acid(s) of the RECQL4 protein (p.Gln911del), but otherwise preserves the integrity of the reading frame.